The following is an entry in ClinVar:

ClinVar aggregate classification (germline): Uncertain significance (1 of 4 stars; one submission).

Conditions:
Epidermolysis bullosa simplex 3, localized or generalized intermediate, with BP230 deficiency (EBS3). Also called: Epidermolysis bullosa simplex, autosomal recessive 2; Epidermolysis bullosa simplex due to BP230 deficiency. Identifiers: Orphanet 412181, MedGen C3809470, MONDO:0014180, OMIM 615425.
Hereditary sensory and autonomic neuropathy type 6. Also called: Neuropathy, hereditary sensory and autonomic, type VI; HSAN VI. Identifiers: Orphanet 314381, MedGen C3539003, MONDO:0013839, OMIM 614653.

Allele frequency attached by ClinVar (database versions not stated): ExAC 0.00002.

Submission:

Labcorp Genetics (formerly Invitae), Labcorp
Classification: Uncertain significance for Epidermolysis bullosa simplex 3, localized or generalized intermediate, with BP230 deficiency; Hereditary sensory and autonomic neuropathy type 6. Last evaluated: 2024-05-09. Review status: criteria provided, single submitter. Criteria: Invitae Variant Classification Sherloc (09022015). Collection method: clinical testing. Allele origin: germline.
Comment: The DST gene has multiple clinically relevant transcripts. This variant occurs in alternate transcript NM_015548.4, and corresponds to NM_001723.5:c.*23186G>T in the primary transcript. This sequence change replaces aspartic acid, which is acidic and polar, with tyrosine, which is neutral and polar, at codon 1629 of the DST protein (p.Asp1629Tyr). The frequency data for this variant in the population databases is considered unreliable, as metrics indicate poor data quality at this position in the gnomAD database. This variant has not been reported in the literature in individuals affected with DST-related conditions. Experimental studies and prediction algorithms are not available or were not evaluated, and the functional significance of this variant is currently unknown. In summary, the available evidence is currently insufficient to determine the role of this variant in disease. Therefore, it has been classified as a Variant of Uncertain Significance.

NM_001374736.1(DST):c.12754G>T (p.Asp4252Tyr)

Gene: DST (dystonin; minus strand). Cytogenetic location: 6p12.1.
Variant type: single nucleotide variant.
Coding change: c.12754G>T on transcript NM_001374736.1 (MANE Select); coding-DNA position 12754, G replaced by T.
Protein change: p.Asp4252Tyr; replaces aspartic acid 4252 with tyrosine.
Molecular consequence: missense variant.
Genome position (GRCh38, 1-based): chr6:56,592,331, C>A on the plus strand (G>T on the coding strand, the complement: DST is on the minus strand). VCF-style: chr6-56592331-C-A. GRCh37 (hg19) VCF-style: chr6-56457129-C-A.
Other names: c.6397G>T, p.Asp2133Tyr (NM_001144769.5); c.5983G>T, p.Asp1995Tyr (NM_001144770.2); c.12754G>T, p.Asp4252Tyr (NM_001374722.1); c.12121G>T, p.Asp4041Tyr (NM_001374729.1); c.5863G>T, p.Asp1955Tyr (NM_001374730.1, NM_183380.4); c.12781G>T, p.Asp4261Tyr (NM_001374734.1); c.4885G>T, p.Asp1629Tyr (NM_015548.5); short protein forms D1995Y, D4252Y, D1629Y, D1955Y, D4041Y, D4261Y, D2133Y.
Identifiers: ClinVar variation 971832 (VCV000971832.8), dbSNP rs757177251, ClinGen allele CA3868397.